The following is an entry in ClinVar:

ClinVar aggregate classification (germline): Likely pathogenic (1 of 4 stars; one submission).

Submission:

Quest Diagnostics Nichols Institute San Juan Capistrano
Classification: Likely pathogenic. Last evaluated: 2022-10-14. Review status: criteria provided, single submitter. Criteria: ACMG/ClinGen CNV Guidelines, 2019. Collection method: clinical testing. Allele origin: unknown.
Comment: The copy number gain of 16p13.3 involves multiple protein-coding genes, including multiple exons (NM_004380.3) of the 5' portion of CREBBP (OMIM 600140). Heterozygous duplications of the 16p13.3 region surrounding CREBBP have been reported in numerous patients with autosomal dominant chromosome 16p13.3 duplication syndrome (OMIM 613458, Chen 2012, Demeer 2013, Lee 2016, Li 2013, Mattina 2012, Thienpont 2010). While full duplications of CREBBP are more common in the literature, there have been multiple reports of duplications involving only the 5' portion of CREBBP in patients exhibiting a Rubinstein-Taybi syndrome-like phenotype (Gucev 2019, Roelfsema 2005). Thus, this copy number gain is classified as likely pathogenic.

GRCh37/hg19 16p13.3(chr16:3792951-4274168)x3

Genes: ADCY9 (adenylate cyclase 9; minus strand), CREBBP (CREB binding protein; minus strand), SRL (sarcalumenin; minus strand). Cytogenetic location: 16p13.3.
Variant type: copy number gain.
Change: copy number 3 (three copies instead of two) of chr16:3,792,951-4,274,168 (481.2 kb, GRCh37 coordinates, 1-based), cytogenetic band 16p13.3.
Identifiers: ClinVar variation 2684778 (VCV002684778.1).